The following is an entry in ClinVar:

ClinVar aggregate classification (germline): Likely benign. Review status: criteria provided, single submitter (1 of 4 stars). 2 submissions from 2 submitters: Likely benign (1). 1 of the submissions does not count toward it. Last evaluated 2025-05-12.

Conditions:
MAPKBP1-related disorder. Also called: MAPKBP1-related condition.

Allele frequency attached by ClinVar (database versions not stated): gnomAD exomes 0.00002 and 0.00010; gnomAD 0.00003; ExAC 0.00006; TOPMed 0.00006; 1000 Genomes Project 30x 0.00016; 1000 Genomes Project 0.00020.
gnomAD v4.1: 32 of 1,612,734 alleles (0.002%); highest among the groups gnomAD compares: East Asian, 0.065%; no homozygotes.

Submissions (2):

Labcorp Genetics (formerly Invitae), Labcorp
Classification: Likely benign. Last evaluated: 2025-05-12. Review status: criteria provided, single submitter. Criteria: Invitae Variant Classification Sherloc (09022015). Collection method: clinical testing. Allele origin: germline.

PreventionGenetics, part of Exact Sciences
Classification: Likely benign for MAPKBP1-related condition. Last evaluated: 2024-07-22. Review status: no assertion criteria provided. Collection method: clinical testing. Allele origin: germline. Not counted in ClinVar's aggregate classification.
Comment: This variant is classified as likely benign based on ACMG/AMP sequence variant interpretation guidelines (Richards et al. 2015 PMID: 25741868, with internal and published modifications).

NM_014994.3(MAPKBP1):c.4155G>A (p.Glu1385=)

Gene: MAPKBP1 (mitogen-activated protein kinase binding protein 1; plus strand). Cytogenetic location: 15q15.1.
Variant type: single nucleotide variant.
Coding change: c.4155G>A on transcript NM_014994.3 (MANE Select); coding-DNA position 4155, G replaced by A.
Protein change: p.Glu1385=; no amino-acid change (glutamic acid 1385 retained).
Molecular consequence: synonymous variant. On other transcripts: non-coding transcript variant (2), intron variant (1).
Genome position (GRCh38, 1-based): chr15:41,824,003, G>A. VCF-style: chr15-41824003-G-A. GRCh37 (hg19) VCF-style: chr15-42116201-G-A.
Other names: c.4173G>A, p.Glu1391= (NM_001128608.2); c.3383-481G>A (NM_001265611.2).
Identifiers: ClinVar variation 794073 (VCV000794073.8), dbSNP rs199859801, ClinGen allele CA7498736.